The following is an entry in ClinVar:

ClinVar aggregate classification (germline): Benign/Likely benign. Review status: criteria provided, multiple submitters, no conflicts (2 of 4 stars). 10 submissions from 10 submitters: Benign (3); Likely benign (7). Last evaluated 2026-09-21.

Conditions:
Aortic aneurysm, familial thoracic 4 (AAT4). Also called: AORTIC ANEURYSM/AORTIC DISSECTION AND PATENT DUCTUS ARTERIOSUS. Identifiers: MedGen C1851504, MONDO:0007568, OMIM 132900.
Familial thoracic aortic aneurysm and aortic dissection (TAAD). Also called: Thoracic aortic aneurysms and dissections. Identifiers: Orphanet 91387, MedGen C4707243, MONDO:0019625.

Allele frequency attached by ClinVar (database versions not stated): ESP Exome Variant Server 0.00072; 1000 Genomes Project 30x 0.00094; ExAC 0.00037; gnomAD exomes 0.00041 and 0.00065; TOPMed 0.00076; 1000 Genomes Project 0.00080; gnomAD 0.00062 and 0.00065.
gnomAD v4.1: 1,031 of 1,613,724 alleles (0.064%); highest among the groups gnomAD compares: Admixed American, 0.1%; 1 homozygote.

Submissions (10):

Molecular Diagnostic Laboratory for Inherited Cardiovascular Disease, Montreal Heart Institute
Classification: Likely benign. Last evaluated: 2026-09-21. Review status: criteria provided, single submitter. Criteria: ACMG Guidelines, 2015. Collection method: clinical testing. Allele origin: germline. Affected: no.

Labcorp Genetics (formerly Invitae), Labcorp
Classification: Likely benign for Aortic aneurysm, familial thoracic 4. Last evaluated: 2026-01-27. Review status: criteria provided, single submitter. Criteria: Invitae Variant Classification Sherloc (09022015). Collection method: clinical testing. Allele origin: germline.

Blueprint Genetics
Classification: Likely benign. Last evaluated: 2024-07-30. Review status: criteria provided, single submitter. Criteria: ACMG Guidelines, 2015. Collection method: clinical testing. Allele origin: germline.

ARUP Laboratories, Molecular Genetics and Genomics, ARUP Laboratories
Classification: Likely benign. Last evaluated: 2024-03-13. Review status: criteria provided, single submitter. Criteria: ARUP Molecular Germline Variant Investigation Process 2024. Collection method: clinical testing. Allele origin: germline.

Women's Health and Genetics/Laboratory Corporation of America, LabCorp
Classification: Benign. Last evaluated: 2018-09-04. Review status: criteria provided, single submitter. Criteria: LabCorp Variant Classification Summary - May 2015. Collection method: clinical testing. Allele origin: germline.
Comment: Variant summary: MYH11 c.654+10T>C alters a nucleotide located close to a canonical splice site and therefore could affect mRNA splicing, leading to a significantly altered protein sequence. 5/5 computational tools predict no significant impact on normal splicing. However, these predictions have yet to be confirmed by functional studies. The variant allele was found at a frequency of 0.0004 in 276970 control chromosomes in the gnomAD database, including 1 homozygote. The observed variant frequency is approximately 321-fold above the estimated maximal expected allele frequency for a pathogenic variant in MYH11 causing Aortopathy phenotype (1.3e-06), strongly suggesting that the variant is benign. To our knowledge, no occurrence of c.654+10T>C in individuals affected with Aortopathy and no experimental evidence demonstrating its impact on protein function have been reported. No clinical diagnostic laboratories have submitted clinical-significance assessments for this variant to ClinVar after 2014. Based on the evidence outlined above, the variant was classified as benign.

CHEO Genetics Diagnostic Laboratory, Children's Hospital of Eastern Ontario
Classification: Benign for Familial thoracic aortic aneurysm and aortic dissection. Last evaluated: 2018-03-27. Review status: criteria provided, single submitter. Criteria: ACMG Guidelines, 2015. Collection method: clinical testing. Allele origin: germline.

Genome Diagnostics Laboratory, University Medical Center Utrecht
Classification: Likely benign for Aortic aneurysm, familial thoracic 4. Last evaluated: 2017-03-31. Review status: criteria provided, single submitter. Criteria: ACGS Guidelines, 2013. Collection method: clinical testing. Allele origin: germline. Affected: yes. Study: VKGL Data-share Consensus.

Clinical Genetics DNA and cytogenetics Diagnostics Lab, Erasmus MC, Erasmus Medical Center
Classification: Likely benign for Aortic aneurysm, familial thoracic 4. Last evaluated: 2015-12-15. Review status: criteria provided, single submitter. Criteria: ACGS Guidelines, 2013. Collection method: clinical testing. Allele origin: germline. Affected: yes. Study: VKGL Data-share Consensus.

GeneDx
Classification: Benign. Last evaluated: 2014-02-02. Review status: criteria provided, single submitter. Criteria: GeneDx Variant Classification (06012015). Collection method: clinical testing. Allele origin: germline. Affected: yes.
Comment: This variant is considered likely benign or benign based on one or more of the following criteria: it is a conservative change, it occurs at a poorly conserved position in the protein, it is predicted to be benign by multiple in silico algorithms, and/or has population frequency not consistent with disease.

PreventionGenetics, part of Exact Sciences
Classification: Likely benign. Review status: criteria provided, single submitter. Criteria: ACMG Guidelines, 2015. Collection method: clinical testing. Allele origin: germline.

NM_002474.3(MYH11):c.633+1942T>C

Gene: MYH11 (myosin heavy chain 11; minus strand). Cytogenetic location: 16p13.11.
Variant type: single nucleotide variant.
Coding change: c.633+1942T>C on transcript NM_002474.3 (MANE Select); 1942 bases into the intron after coding-DNA position 633, T replaced by C.
Molecular consequence: intron variant.
Genome position (GRCh38, 1-based): chr16:15,784,688, A>G on the plus strand (T>C on the coding strand, the complement: MYH11 is on the minus strand). VCF-style: chr16-15784688-A-G. GRCh37 (hg19) VCF-style: chr16-15878545-A-G.
Other names: c.633+1942T>C (NM_022844.3); c.654+10T>C (NM_001040114.2, NM_001040113.2).
Identifiers: ClinVar variation 138367 (VCV000138367.29), dbSNP rs199755371, ClinGen allele CA292357.